The following is an entry in ClinVar:

NM_000081.4(LYST):c.2365G>T (p.Val789Leu)

Gene: LYST (lysosomal trafficking regulator; minus strand). Cytogenetic location: 1q42.3.
Variant type: single nucleotide variant.
Coding change: c.2365G>T on transcript NM_000081.4 (MANE Select); coding-DNA position 2365, G replaced by T.
Protein change: p.Val789Leu; replaces valine 789 with leucine.
Molecular consequence: missense variant.
Genome position (GRCh38, 1-based): chr1:235,806,771, C>A on the plus strand (G>T on the coding strand, the complement: LYST is on the minus strand). VCF-style: chr1-235806771-C-A. GRCh37 (hg19) VCF-style: chr1-235970071-C-A.
Other names: c.2365G>T, p.Val789Leu (NM_001301365.1); short protein forms V789L.
Identifiers: ClinVar variation 1521443 (VCV001521443.4), dbSNP rs992519121, ClinGen allele CA39617480.

ClinVar aggregate classification (germline): Uncertain significance (1 of 4 stars; one submission).

Conditions:
Chédiak-Higashi syndrome (CHS). Also called: Chediak-Higashi Syndrome. Identifiers: Orphanet 167, MedGen C0007965, MONDO:0008963, OMIM 214500.

Allele frequency attached by ClinVar (database versions not stated): TOPMed below 0.00001.

Submission:

Labcorp Genetics (formerly Invitae), Labcorp
Classification: Uncertain significance for Chédiak-Higashi syndrome. Last evaluated: 2025-03-17. Review status: criteria provided, single submitter. Criteria: Invitae Variant Classification Sherloc (09022015). Collection method: clinical testing. Allele origin: germline.
Comment: This sequence change replaces valine, which is neutral and non-polar, with leucine, which is neutral and non-polar, at codon 789 of the LYST protein (p.Val789Leu). This variant is not present in population databases (gnomAD no frequency). This variant has not been reported in the literature in individuals affected with LYST-related conditions. ClinVar contains an entry for this variant (Variation ID: 1521443). An algorithm developed to predict the effect of missense changes on protein structure and function (PolyPhen-2) suggests that this variant is likely to be tolerated. In summary, the available evidence is currently insufficient to determine the role of this variant in disease. Therefore, it has been classified as a Variant of Uncertain Significance.